The following is an entry in ClinVar:

NM_001009944.3(PKD1):c.7584C>G (p.Tyr2528Ter)

Gene: PKD1 (polycystin 1, transient receptor potential channel interacting; minus strand). Cytogenetic location: 16p13.3.
Variant type: single nucleotide variant.
Coding change: c.7584C>G on transcript NM_001009944.3 (MANE Select); coding-DNA position 7584, C replaced by G.
Protein change: p.Tyr2528Ter; replaces tyrosine 2528 with a stop codon.
Molecular consequence: nonsense.
Genome position (GRCh38, 1-based): chr16:2,106,210, G>C on the plus strand (C>G on the coding strand, the complement: PKD1 is on the minus strand). VCF-style: chr16-2106210-G-C. GRCh37 (hg19) VCF-style: chr16-2156211-G-C.
Other names: c.7584C>G, p.Tyr2528Ter (NM_000296.4); short protein forms Y2528*.
Identifiers: ClinVar variation 3899287 (VCV003899287.1).

ClinVar aggregate classification (germline): Likely pathogenic (1 of 4 stars; one submission).

Conditions:
Polycystic kidney disease, adult type (PKD1). Also called: POLYCYSTIC KIDNEY DISEASE 1 WITH OR WITHOUT POLYCYSTIC LIVER DISEASE; POLYCYSTIC KIDNEY DISEASE, ADULT, TYPE I; Polycystic Kidney Disease 1, Autosomal Dominant; Polycystic kidney disease 1; Polycystic kidney disease 1, severe; Polycystic Kidney, Autosomal Dominant. Identifiers: MedGen C3149841, MONDO:0008263, OMIM 173900.

Submission:

Department of Clinical Genetics, Copenhagen University Hospital, Rigshospitalet
Classification: Likely pathogenic for Polycystic kidney disease, adult type. Last evaluated: 2025-05-05. Review status: criteria provided, single submitter. Criteria: ACMG Guidelines, 2015. Collection method: clinical testing. Allele origin: germline.
Comment: PVS1_VSt, PM2_Sup